The following is an entry in ClinVar:

ClinVar aggregate classification (germline): Likely benign. Review status: criteria provided, multiple submitters, no conflicts (2 of 4 stars). 3 submissions from 3 submitters: Likely benign (2). 1 of the submissions does not count toward it. Last evaluated 2025-04-30.

Conditions:
TENM3-related disorder. Also called: TENM3-related condition.

Allele frequency attached by ClinVar (database versions not stated): 1000 Genomes Project 0.00020; 1000 Genomes Project 30x 0.00031; ESP Exome Variant Server 0.00069; TOPMed 0.00090; gnomAD 0.00096 and 0.00099.
gnomAD v4.1: 2,248 of 1,611,386 alleles (0.14%); highest among the groups gnomAD compares: Non-Finnish European, 0.18%; 1 homozygote.

Submissions (3):

Labcorp Genetics (formerly Invitae), Labcorp
Classification: Likely benign. Last evaluated: 2025-04-30. Review status: criteria provided, single submitter. Criteria: Invitae Variant Classification Sherloc (09022015). Collection method: clinical testing. Allele origin: germline.

CeGaT Center for Human Genetics Tuebingen
Classification: Likely benign. Last evaluated: 2024-01-01. Review status: criteria provided, single submitter. Criteria: CeGaT Center For Human Genetics Tuebingen Variant Classification Criteria Version 2. Collection method: clinical testing. Allele origin: germline. Affected: yes. Observed: 1 variant allele.
Comment: TENM3: BP4, BP7

PreventionGenetics, part of Exact Sciences
Classification: Likely benign for TENM3-related condition. Last evaluated: 2019-08-13. Review status: no assertion criteria provided. Collection method: clinical testing. Allele origin: germline. Not counted in ClinVar's aggregate classification.
Comment: This variant is classified as likely benign based on ACMG/AMP sequence variant interpretation guidelines (Richards et al. 2015 PMID: 25741868, with internal and published modifications).

NM_001080477.4(TENM3):c.7605G>A (p.Glu2535=)

Gene: TENM3 (teneurin transmembrane protein 3; plus strand). Cytogenetic location: 4q35.1.
Variant type: single nucleotide variant.
Coding change: c.7605G>A on transcript NM_001080477.4 (MANE Select); coding-DNA position 7605, G replaced by A.
Protein change: p.Glu2535=; no amino-acid change (glutamic acid 2535 retained).
Molecular consequence: synonymous variant.
Genome position (GRCh38, 1-based): chr4:182,799,856, G>A. VCF-style: chr4-182799856-G-A. GRCh37 (hg19) VCF-style: chr4-183721009-G-A.
Identifiers: ClinVar variation 716633 (VCV000716633.29), dbSNP rs200853850, ClinGen allele CA3148963.
Genomic context (GRCh38, chr4:182,799,856, plus strand): 5'-CATCGCCAACGAGGACTGCATCAAGGTGGCGGCCGTGCTCAACAACGCCTTCTACCTGGA[G>A]AACCTGCACTTCACCATCGAGGGCAAGGACACGCACTACTTCATCAAGACCACCACGCCC-3'
Protein context (NP_001073946.1, residues 2525-2545): AAVLNNAFYL[Glu2535=]NLHFTIEGKD